The following is an entry in ClinVar:

NM_004360.5(CDH1):c.1566-6G>T

Gene: CDH1 (cadherin 1; plus strand). Cytogenetic location: 16q22.1.
Variant type: single nucleotide variant.
Coding change: c.1566-6G>T on transcript NM_004360.5 (MANE Select); 6 bases into the intron before coding-DNA position 1566, G replaced by T.
Molecular consequence: intron variant.
Genome position (GRCh38, 1-based): chr16:68,819,274, G>T. VCF-style: chr16-68819274-G-T. GRCh37 (hg19) VCF-style: chr16-68853177-G-T.
Other names: c.18-6G>T (NM_001317185.2); c.-254-2727G>T (NM_001317186.2); c.1383-6G>T (NM_001317184.2).
Identifiers: ClinVar variation 3379171 (VCV003379171.1).

ClinVar aggregate classification (germline): Likely benign (1 of 4 stars; one submission).

Conditions:
Hereditary diffuse gastric adenocarcinoma (HDGC). Also called: DIFFUSE GASTRIC AND LOBULAR BREAST CANCER SYNDROME. Identifiers: Orphanet 26106, MedGen C1708349, MONDO:0007648, OMIM 137215.

gnomAD v4.1: 1 of 1,614,196 alleles (0.000062%); highest among the groups gnomAD compares: South Asian, 0.0011%; no homozygotes.

Submission:

Myriad Genetics, Inc.
Classification: Likely benign for Hereditary diffuse gastric adenocarcinoma. Last evaluated: 2024-09-19. Review status: criteria provided, single submitter. Criteria: Myriad Autosomal Dominant, Autosomal Recessive and X-Linked Classification Criteria (2023). Collection method: clinical testing. Allele origin: unknown.
Comment: This variant is considered likely benign. This variant is intronic and is not expected to impact mRNA splicing.